The following is an entry in ClinVar:

NM_016929.5(CLIC5):c.42C>A (p.Pro14=)

Gene: CLIC5 (CLIC family member 5; minus strand). Cytogenetic location: 6p21.1.
Variant type: single nucleotide variant.
Coding change: c.42C>A on transcript NM_016929.5 (MANE Select); coding-DNA position 42, C replaced by A.
Protein change: p.Pro14=; no amino-acid change (proline 14 retained).
Molecular consequence: synonymous variant. On other transcripts: intron variant (3).
Genome position (GRCh38, 1-based): chr6:46,015,501, G>T on the plus strand (C>A on the coding strand, the complement: CLIC5 is on the minus strand). VCF-style: chr6-46015501-G-T. GRCh37 (hg19) VCF-style: chr6-45983238-G-T.
Other names: c.42C>A, p.Pro14= (NM_001256023.2); c.-54-60257C>A (NM_001370649.1); c.541-60257C>A (NM_001370650.1, NM_001114086.2).
Identifiers: ClinVar variation 5041422 (VCV005041422.1).
Genomic context (GRCh38, chr6:46,015,501, plus strand): 5'-GGCGCGGCAGGTGCGGCGGGAGACTGGACCCCGACCTACCTTCACAAAGAGCTCGATCTC[G>T]GGGTCCCTGTCGTCCCCGTTAGCTGTCGCCGAGTCTGTCATGCCGTTGGCGCCCGGGGCT-3'
Protein context (NP_058625.2, residues 4-24): SATANGDDRD[Pro14=]EIELFVKAGI

ClinVar aggregate classification (germline): Likely benign (1 of 4 stars; one submission).

Submission:

CeGaT Center for Human Genetics Tuebingen
Classification: Likely benign. Last evaluated: 2026-09-01. Review status: criteria provided, single submitter. Criteria: CeGaT Center For Human Genetics Tuebingen Variant Classification Criteria Version 2. Collection method: clinical testing. Allele origin: germline. Affected: yes. Observed: 1 variant allele.
Comment: CLIC5: PM2:Supporting, BP4, BP7